The following is an entry in ClinVar:

NM_032119.4(ADGRV1):c.9313C>T (p.Arg3105Trp)

Gene: ADGRV1 (adhesion G protein-coupled receptor V1; plus strand). Cytogenetic location: 5q14.3.
Variant type: single nucleotide variant.
Coding change: c.9313C>T on transcript NM_032119.4 (MANE Select); coding-DNA position 9313, C replaced by T.
Protein change: p.Arg3105Trp; replaces arginine 3105 with tryptophan.
Molecular consequence: missense variant. On other transcripts: non-coding transcript variant (1).
Genome position (GRCh38, 1-based): chr5:90,716,595, C>T. VCF-style: chr5-90716595-C-T. GRCh37 (hg19) VCF-style: chr5-90012412-C-T.
Other names: short protein forms R3105W.
Identifiers: ClinVar variation 939276 (VCV000939276.9), dbSNP rs767543352, ClinGen allele CA3340480.

ClinVar aggregate classification (germline): Uncertain significance. Review status: criteria provided, multiple submitters, no conflicts (2 of 4 stars). 3 submissions from 3 submitters: Uncertain significance (3). Last evaluated 2024-10-17.

Conditions:
Inborn genetic diseases. Identifiers: MedGen C0950123, MeSH D030342.
ADGRV1-related disorder. Also called: ADGRV1-related disorders; ADGRV1-related condition.

Allele frequency attached by ClinVar (database versions not stated): gnomAD 0.00001; ExAC 0.00002; gnomAD exomes 0.00003.
gnomAD v4.1: 52 of 1,613,622 alleles (0.0032%); highest among the groups gnomAD compares: Middle Eastern, 0.016%; no homozygotes.

Submissions (3):

PreventionGenetics, part of Exact Sciences
Classification: Uncertain significance for ADGRV1-related condition. Last evaluated: 2024-10-17. Review status: criteria provided, single submitter. Criteria: ACMG Guidelines, 2015. Collection method: clinical testing. Allele origin: germline.
Comment: The ADGRV1 c.9313C>T variant is predicted to result in the amino acid substitution p.Arg3105Trp. To our knowledge, this variant has not been reported in the literature. This variant is reported in 0.0051% of alleles in individuals of East Asian descent in gnomAD. At this time, the clinical significance of this variant is uncertain due to the absence of conclusive functional and genetic evidence.

Ambry Genetics
Classification: Uncertain significance for Inborn genetic diseases. Last evaluated: 2023-02-16. Review status: criteria provided, single submitter. Criteria: Ambry Variant Classification Scheme 2023. Collection method: clinical testing. Allele origin: germline.

Labcorp Genetics (formerly Invitae), Labcorp
Classification: Uncertain significance. Last evaluated: 2022-01-15. Review status: criteria provided, single submitter. Criteria: Invitae Variant Classification Sherloc (09022015). Collection method: clinical testing. Allele origin: germline.
Comment: This sequence change replaces arginine, which is basic and polar, with tryptophan, which is neutral and slightly polar, at codon 3105 of the ADGRV1 protein (p.Arg3105Trp). This variant is present in population databases (rs767543352, gnomAD 0.005%). This variant has not been reported in the literature in individuals affected with ADGRV1-related conditions. ClinVar contains an entry for this variant (Variation ID: 939276). Algorithms developed to predict the effect of missense changes on protein structure and function are either unavailable or do not agree on the potential impact of this missense change (SIFT: "Deleterious"; PolyPhen-2: "Probably Damaging"; Align-GVGD: "Class C0"). In summary, the available evidence is currently insufficient to determine the role of this variant in disease. Therefore, it has been classified as a Variant of Uncertain Significance.